The following is an entry in ClinVar:

NM_001164508.2(NEB):c.23786dup (p.Thr7930fs)

Genes: NEB (nebulin; minus strand), RIF1 (replication timing regulatory factor 1; plus strand). Cytogenetic location: 2q23.3.
Variant type: Duplication.
Coding change: c.23786dup on transcript NM_001164508.2 (MANE Select); coding-DNA position 23786, one base duplicated (T; older notation c.23786dupT).
Protein change: p.Thr7930fs; shifts the reading frame from threonine 7930.
Molecular consequence: frameshift variant.
Genome position (GRCh38, 1-based): chr2:151,503,398, A duplicated on the plus strand (T on the coding strand, the reverse complement: NEB is on the minus strand). VCF-style (leftmost placement, unchanged base first): chr2-151503397-C-CA. GRCh37 (hg19) VCF-style: chr2-152359911-C-CA.
Other names: c.23786dup, p.Thr7930fs (NM_001164507.2); c.23891dup, p.Thr7965fs (NM_001271208.2); c.23891dup (NM_001271208.1); c.18683dup, p.Thr6229fs (NM_004543.5); short protein forms T6229fs, T7930fs, T7965fs.
Identifiers: ClinVar variation 1378986 (VCV001378986.9), dbSNP rs756612643, ClinGen allele CA1906246.

ClinVar aggregate classification (germline): Pathogenic/Likely pathogenic. Review status: criteria provided, multiple submitters, no conflicts (2 of 4 stars). 4 submissions from 4 submitters: Pathogenic (1); Likely pathogenic (3). Last evaluated 2025-05-30.

Conditions:
Nemaline myopathy 2 (NEM2). Also called: Nemaline myopathy 2, autosomal recessive. Identifiers: MedGen C1850569, MONDO:0009725, OMIM 256030.
Arthrogryposis multiplex congenita 6. Identifiers: MedGen C5543431, MONDO:0030281, OMIM 619334.

Allele frequency attached by ClinVar (database versions not stated): TOPMed below 0.00001; ExAC 0.00001; ESP Exome Variant Server 0.00009.

Submissions (4):

Natera, Inc.
Classification: Likely pathogenic for Nemaline myopathy type 2. Last evaluated: 2025-05-30. Review status: criteria provided, single submitter. Criteria: Natera Variant Classification Schema (03/2026). Collection method: clinical testing. Allele origin: germline.
Comment: The c.23891dup variant in NEB is a frameshift variant predicted to shift the reading frame beginning at codon 7965 and leads to a stop codon 5 codons downstream. This variant is expected to result in nonsense mediated decay, truncation, or a dysfunctional protein product. This variant is rare in the general population with a frequency below the threshold expected for the associated phenotype(s). Given the available evidence, this variant is classified as Likely Pathogenic.

Fulgent Genetics
Classification: Likely pathogenic for Nemaline myopathy 2; Arthrogryposis multiplex congenita 6. Last evaluated: 2024-06-06. Review status: criteria provided, single submitter. Criteria: ACMG Guidelines, 2015. Collection method: clinical testing. Allele origin: germline.

Labcorp Genetics (formerly Invitae), Labcorp
Classification: Pathogenic for Nemaline myopathy 2. Last evaluated: 2024-03-13. Review status: criteria provided, single submitter. Criteria: Invitae Variant Classification Sherloc (09022015). Collection method: clinical testing. Allele origin: germline.
Comment: This sequence change creates a premature translational stop signal (p.Thr7965Aspfs*5) in the NEB gene. It is expected to result in an absent or disrupted protein product. Loss-of-function variants in NEB are known to be pathogenic (PMID: 25205138). This variant is not present in population databases (gnomAD no frequency). This variant has not been reported in the literature in individuals affected with NEB-related conditions. ClinVar contains an entry for this variant (Variation ID: 1378986). For these reasons, this variant has been classified as Pathogenic.

Baylor Genetics
Classification: Likely pathogenic for Arthrogryposis multiplex congenita 6. Last evaluated: 2023-06-12. Review status: criteria provided, single submitter. Criteria: ACMG Guidelines, 2015. Collection method: clinical testing. Allele origin: unknown.

Literature cited by the submitters: PubMed 25205138 (cited by Labcorp Genetics (formerly Invitae), Labcorp).